The following is an entry in ClinVar:

ClinVar aggregate classification (germline): Uncertain significance. Review status: criteria provided, multiple submitters, no conflicts (2 of 4 stars). 2 submissions from 2 submitters: Uncertain significance (2). Last evaluated 2024-03-06.

Conditions:
Hereditary cancer-predisposing syndrome. Also called: Neoplastic Syndromes, Hereditary; Tumor predisposition; Hereditary Cancer Syndrome; Hereditary neoplastic syndrome. Identifiers: Orphanet 140162, MedGen C0027672, MeSH D009386, MONDO:0015356.
Familial adenomatous polyposis 1 (FAP1). Also called: FAMILIAL ADENOMATOUS POLYPOSIS 1, ATTENUATED; POLYPOSIS, ADENOMATOUS INTESTINAL. Identifiers: MedGen C2713442, MONDO:0021056, OMIM 175100. Disease mechanism: loss of function.

Allele frequency attached by ClinVar (database versions not stated): gnomAD exomes below 0.00001; ExAC 0.00001; gnomAD 0.00001; 1000 Genomes Project 30x 0.00016; 1000 Genomes Project 0.00020.
gnomAD v4.1: 2 of 1,611,286 alleles (0.00012%); highest among the groups gnomAD compares: South Asian, 0.0011%; no homozygotes.

Submissions (2):

Color Diagnostics, LLC DBA Color Health
Classification: Uncertain significance for Hereditary cancer-predisposing syndrome. Last evaluated: 2024-03-06. Review status: criteria provided, single submitter. Criteria: ACMG Guidelines, 2015. Collection method: clinical testing. Allele origin: germline.
Comment: This missense variant replaces threonine with alanine at codon 2178 of the APC protein. Computational prediction suggests that this variant may not impact protein structure and function (internally defined REVEL score threshold <= 0.5, PMID: 27666373). Splice site prediction tools suggest that this variant may not impact RNA splicing. To our knowledge, functional studies have not been performed for this variant. This variant has not been reported in individuals affected with hereditary cancer in the literature. This variant has been identified in 1/248588 chromosomes in the general population by the Genome Aggregation Database (gnomAD). The available evidence is insufficient to determine the role of this variant in disease conclusively. Therefore, this variant is classified as a Variant of Uncertain Significance.

Labcorp Genetics (formerly Invitae), Labcorp
Classification: Uncertain significance for Familial adenomatous polyposis 1. Last evaluated: 2022-09-09. Review status: criteria provided, single submitter. Criteria: Invitae Variant Classification Sherloc (09022015). Collection method: clinical testing. Allele origin: germline.
Comment: This sequence change replaces threonine, which is neutral and polar, with alanine, which is neutral and non-polar, at codon 2178 of the APC protein (p.Thr2178Ala). This variant is present in population databases (rs571373542, gnomAD 0.003%). This variant has not been reported in the literature in individuals affected with APC-related conditions. ClinVar contains an entry for this variant (Variation ID: 925445). Advanced modeling of protein sequence and biophysical properties (such as structural, functional, and spatial information, amino acid conservation, physicochemical variation, residue mobility, and thermodynamic stability) performed at Invitae indicates that this missense variant is not expected to disrupt APC protein function. In summary, the available evidence is currently insufficient to determine the role of this variant in disease. Therefore, it has been classified as a Variant of Uncertain Significance.

NM_000038.6(APC):c.6532A>G (p.Thr2178Ala)

Gene: APC (APC regulator of Wnt signaling pathway; plus strand). Cytogenetic location: 5q22.2.
Variant type: single nucleotide variant.
Coding change: c.6532A>G on transcript NM_000038.6 (MANE Select); coding-DNA position 6532, A replaced by G.
Protein change: p.Thr2178Ala; replaces threonine 2178 with alanine.
Molecular consequence: missense variant.
Genome position (GRCh38, 1-based): chr5:112,842,126, A>G. VCF-style: chr5-112842126-A-G. GRCh37 (hg19) VCF-style: chr5-112177823-A-G.
Other names: c.6532A>G, p.Thr2178Ala (NM_001127510.3, NM_001354895.2); c.6478A>G, p.Thr2160Ala (NM_001127511.3); c.6586A>G, p.Thr2196Ala (NM_001354896.2); c.6562A>G, p.Thr2188Ala (NM_001354897.2); c.6457A>G, p.Thr2153Ala (NM_001354898.2); c.6448A>G, p.Thr2150Ala (NM_001354899.2); c.6409A>G, p.Thr2137Ala (NM_001354900.2); c.6355A>G, p.Thr2119Ala (NM_001354901.2); and 5 more; short protein forms T2018A, T2077A, T2119A, T2178A, T2052A, T2087A, T2137A, T2153A.
Identifiers: ClinVar variation 925445 (VCV000925445.15), dbSNP rs571373542, ClinGen allele CA045246.
Genomic context (GRCh38, chr5:112,842,126, plus strand): 5'-CCCTTTACAAGTAATAAAGGCCCACGAATTCTAAAACCAGGGGAGAAAAGTACATTGGAA[A>G]CTAAAAAGATAGAATCTGAAAGTAAAGGAATCAAAGGAGGAAAAAAAGTTTATAAAAGTT-3'
Protein context (NP_000029.2, residues 2168-2188): LKPGEKSTLE[Thr2178Ala]KKIESESKGI